The following is an entry in ClinVar:

ClinVar aggregate classification (germline): Uncertain significance (1 of 4 stars; one submission).

Submission:

Labcorp Genetics (formerly Invitae), Labcorp
Classification: Uncertain significance. Last evaluated: 2021-08-19. Review status: criteria provided, single submitter. Criteria: Invitae Variant Classification Sherloc (09022015). Collection method: clinical testing. Allele origin: germline.
Comment: This variant has not been reported in the literature in individuals affected with SFXN4-related conditions. Experimental studies and prediction algorithms are not available or were not evaluated, and the functional significance of this variant is currently unknown. In summary, the available evidence is currently insufficient to determine the role of this variant in disease. Therefore, it has been classified as a Variant of Uncertain Significance. The frequency data for this variant in the population databases is not available, as this variant may be reported as separate entries in the ExAC database. This sequence change replaces alanine with glutamic acid at codon 118 of the SFXN4 protein (p.Ala118Glu). The alanine residue is highly conserved and there is a moderate physicochemical difference between alanine and glutamic acid.

NM_213649.2(SFXN4):c.353C>A (p.Ala118Glu)

Gene: SFXN4 (sideroflexin 4; minus strand). Cytogenetic location: 10q26.11.
Variant type: single nucleotide variant.
Coding change: c.353C>A on transcript NM_213649.2 (MANE Select); coding-DNA position 353, C replaced by A.
Protein change: p.Ala118Glu; replaces alanine 118 with glutamic acid.
Molecular consequence: missense variant. On other transcripts: non-coding transcript variant (1).
Genome position (GRCh38, 1-based): chr10:119,159,735, G>T on the plus strand (C>A on the coding strand, the complement: SFXN4 is on the minus strand). VCF-style: chr10-119159735-G-T. GRCh37 (hg19) VCF-style: chr10-120919247-G-T.
Other names: c.353C>A, p.Ala118Glu (NM_213650.1); short protein forms A118E.
Identifiers: ClinVar variation 4781825 (VCV004781825.1).
Genomic context (GRCh38, chr10:119,159,735, plus strand): 5'-TGGCCATCTTCCCAAGCCCCTAGTCTCCTAACGGCAAATGTCTGCTTGCTCACCGTGGGT[G>T]CCATGAAAGGCAGGAACGCTGGCAGGAAGAGAAGAGAGGAGGTGTCAGTGATCACAGTTG-3'
Protein context (NP_998814.1, residues 108-128): FRPAAFLPFM[Ala118Glu]PTVFLSMTPL